The following is an entry in ClinVar:

ClinVar aggregate classification (germline): Uncertain significance (1 of 4 stars; one submission).

Conditions:
Leber congenital amaurosis 4 (LCA4). Identifiers: MedGen C1858386, MONDO:0011458, OMIM 604393.

Allele frequency attached by ClinVar (database versions not stated): 1000 Genomes Project 30x 0.00016; 1000 Genomes Project 0.00020.
gnomAD v4.1: 14 of 1,614,006 alleles (0.00087%); highest among the groups gnomAD compares: East Asian, 0.0045%; no homozygotes.

Submission:

Labcorp Genetics (formerly Invitae), Labcorp
Classification: Uncertain significance for Leber congenital amaurosis 4. Last evaluated: 2022-06-11. Review status: criteria provided, single submitter. Criteria: Invitae Variant Classification Sherloc (09022015). Collection method: clinical testing. Allele origin: germline.
Comment: This sequence change replaces arginine, which is basic and polar, with tryptophan, which is neutral and slightly polar, at codon 258 of the AIPL1 protein (p.Arg258Trp). This variant is present in population databases (rs540875983, gnomAD 0.006%). This variant has not been reported in the literature in individuals affected with AIPL1-related conditions. Algorithms developed to predict the effect of missense changes on protein structure and function are either unavailable or do not agree on the potential impact of this missense change (SIFT: "Deleterious"; PolyPhen-2: "Possibly Damaging"; Align-GVGD: "Class C0"). Algorithms developed to predict the effect of sequence changes on RNA splicing suggest that this variant may create or strengthen a splice site. This variant disrupts the p.Arg258 amino acid residue in AIPL1. Other variant(s) that disrupt this residue have been determined to be pathogenic (PMID: 24426771). This suggests that this residue is clinically significant, and that variants that disrupt this residue are likely to be disease-causing. In summary, the available evidence is currently insufficient to determine the role of this variant in disease. Therefore, it has been classified as a Variant of Uncertain Significance.

Literature cited by the submitters: PubMed 24426771.

NM_014336.5(AIPL1):c.772C>T (p.Arg258Trp)

Gene: AIPL1 (AIP like 1 HSP90 co-chaperone; minus strand). Cytogenetic location: 17p13.2.
Variant type: single nucleotide variant.
Coding change: c.772C>T on transcript NM_014336.5 (MANE Select); coding-DNA position 772, C replaced by T.
Protein change: p.Arg258Trp; replaces arginine 258 with tryptophan.
Molecular consequence: missense variant.
Genome position (GRCh38, 1-based): chr17:6,426,627, G>A on the plus strand (C>T on the coding strand, the complement: AIPL1 is on the minus strand). VCF-style: chr17-6426627-G-A. GRCh37 (hg19) VCF-style: chr17-6329947-G-A.
Other names: c.583C>T, p.Arg195Trp (NM_001033054.3); c.592C>T, p.Arg198Trp (NM_001033055.3); c.736C>T, p.Arg246Trp (NM_001285399.3); c.706C>T, p.Arg236Trp (NM_001285400.3); c.700C>T, p.Arg234Trp (NM_001285401.3); c.655C>T, p.Arg219Trp (NM_001285402.2); c.748C>T, p.Arg250Trp (NM_001285403.4); short protein forms R236W, R258W, R219W, R246W, R234W, R195W, R198W, R250W.
Identifiers: ClinVar variation 2156119 (VCV002156119.1), dbSNP rs540875983, ClinGen allele CA287324578.